The following is an entry in ClinVar:

ClinVar aggregate classification (germline): Uncertain significance (1 of 4 stars; one submission).

gnomAD v4.1: 2 of 1,533,694 alleles (0.00013%); highest among the groups gnomAD compares: Middle Eastern, 0.017%; no homozygotes.

Submission:

CeGaT Center for Human Genetics Tuebingen
Classification: Uncertain significance. Last evaluated: 2025-12-01. Review status: criteria provided, single submitter. Criteria: CeGaT Center For Human Genetics Tuebingen Variant Classification Criteria Version 2. Collection method: clinical testing. Allele origin: germline. Affected: yes. Observed: 1 variant allele.
Comment: GRIK2: PM2, BP4

NM_021956.5(GRIK2):c.13T>C (p.Phe5Leu)

Gene: GRIK2 (glutamate ionotropic receptor kainate type subunit 2; plus strand). Cytogenetic location: 6q16.3.
Variant type: single nucleotide variant.
Coding change: c.13T>C on transcript NM_021956.5 (MANE Select); coding-DNA position 13, T replaced by C.
Protein change: p.Phe5Leu; replaces phenylalanine 5 with leucine.
Molecular consequence: missense variant.
Genome position (GRCh38, 1-based): chr6:101,399,290, T>C. VCF-style: chr6-101399290-T-C. GRCh37 (hg19) VCF-style: chr6-101847166-T-C.
Other names: c.13T>C, p.Phe5Leu (NM_001166247.1, NM_175768.3); short protein forms F5L.
Identifiers: ClinVar variation 4681722 (VCV004681722.5).
Genomic context (GRCh38, chr6:101,399,290, plus strand): 5'-ACGCTAGATCGGGGAAGTGGGTGCCGTGCGTGTGGGCACAGAAACACCATGAAGATTATT[T>C]TCCCGATTCTAAGTAATCCAGTCTTCAGGCGCACCGTTAAACTCCTGCTCTGTTTACTGT-3'
Protein context (NP_068775.1, residues 1-15): MKII[Phe5Leu]PILSNPVFRR